The following is an entry in ClinVar:

NM_207352.4(CYP4V2):c.*1236A>T

Genes: CYP4V2 (cytochrome P450 family 4 subfamily V member 2; plus strand), KLKB1 (kallikrein B1; plus strand). Cytogenetic location: 4q35.2.
Variant type: single nucleotide variant.
Coding change: c.*1236A>T on transcript NM_207352.4 (MANE Select); 1236 bases downstream of the stop codon, A replaced by T.
Molecular consequence: 3 prime UTR variant.
Genome position (GRCh38, 1-based): chr4:186,211,877, A>T. VCF-style: chr4-186211877-A-T. GRCh37 (hg19) VCF-style: chr4-187133031-A-T.
Other names: NC_000004.11:g.187133031A>T.
Identifiers: ClinVar variation 348351 (VCV000348351.9), dbSNP rs1053094, ClinGen allele CA10617527.

ClinVar aggregate classification (germline): Benign. Review status: criteria provided, multiple submitters, no conflicts (2 of 4 stars). 4 submissions from 3 submitters: Benign (4). Last evaluated 2021-05-11.

Conditions:
Bietti crystalline corneoretinal dystrophy (BCD). Also called: Bietti Crystalline Dystrophy; BIETTI TAPETORETINAL DEGENERATION WITH MARGINAL CORNEAL DYSTROPHY. Identifiers: Orphanet 41751, MedGen C1859486, MONDO:0008865, OMIM 210370.
Corneal dystrophy. Identifiers: Orphanet 34533, MedGen C0010036, MONDO:0018102, HP:0001131.

Allele frequency attached by ClinVar (database versions not stated): TOPMed 0.45212; gnomAD 0.45352 and 0.45426; 1000 Genomes Project 0.45767; 1000 Genomes Project 30x 0.45924.

Submissions (5):

GeneDx
Classification: Benign. Last evaluated: 2021-05-11. Review status: criteria provided, single submitter. Criteria: GeneDx Variant Classification Process June 2021. Collection method: clinical testing. Allele origin: germline. Affected: yes.

Illumina Laboratory Services, Illumina
Classification: Benign for Bietti crystalline corneoretinal dystrophy. Last evaluated: 2018-01-12. Review status: criteria provided, single submitter. Criteria: ICSL Variant Classification Criteria 13 December 2019. Collection method: clinical testing. Allele origin: germline.
Comment: This variant was observed in the ICSL laboratory as part of a predisposition screen in an ostensibly healthy population. It had not been previously curated by ICSL or reported in the Human Gene Mutation Database (HGMD: prior to June 1st, 2018), and was therefore a candidate for classification through an automated scoring system. Utilizing variant allele frequency, disease prevalence and penetrance estimates, and inheritance mode, an automated score was calculated to assess if this variant is too frequent to cause the disease. Based on the score and internal cut-off values, a variant classified as benign is not then subjected to further curation. The score for this variant resulted in a classification of benign for this disease.

Illumina Laboratory Services, Illumina
Classification: Benign for Corneal dystrophy. Last evaluated: 2018-01-12. Review status: criteria provided, single submitter. Criteria: ICSL Variant Classification Criteria 13 December 2019. Collection method: clinical testing. Allele origin: germline.
Comment: the same text as in the submission from Illumina Laboratory Services, Illumina above.

Breakthrough Genomics
Classification: Benign. Review status: criteria provided, single submitter. Criteria: ACMG Guidelines, 2015. Collection method: not provided. Allele origin: germline. Inheritance: Autosomal recessive inheritance. Affected: yes.

Dr. Peter K. Rogan Lab, Western University
No classification provided (evidence only). Condition: Cervical cancer. Review status: no classification provided. Collection method: in vitro. Allele origin: not applicable. Functional consequence: retained intron. Not counted in ClinVar's aggregate classification.